The following is an entry in ClinVar:

NM_001868.4(CPA1):c.774C>A (p.Asp258Glu)

Gene: CPA1 (carboxypeptidase A1; plus strand). Cytogenetic location: 7q32.2.
Variant type: single nucleotide variant.
Coding change: c.774C>A on transcript NM_001868.4 (MANE Select); coding-DNA position 774, C replaced by A.
Protein change: p.Asp258Glu; replaces aspartic acid 258 with glutamic acid.
Molecular consequence: missense variant.
Genome position (GRCh38, 1-based): chr7:130,384,613, C>A. VCF-style: chr7-130384613-C-A. GRCh37 (hg19) VCF-style: chr7-130024454-C-A.
Other names: short protein forms D258E.
Identifiers: ClinVar variation 1760435 (VCV001760435.2), dbSNP rs368689434, ClinGen allele CA369283046.

ClinVar aggregate classification (germline): Uncertain significance (1 of 4 stars; one submission).

Conditions:
Hereditary pancreatitis (PCTT). Also called: Hereditary chronic pancreatitis; PRSS1-Related Hereditary Pancreatitis. Identifiers: Orphanet 676, MedGen C0238339, MONDO:0008185, OMIM 167800.

Submission:

Ambry Genetics
Classification: Uncertain significance for Hereditary pancreatitis. Last evaluated: 2022-03-07. Review status: criteria provided, single submitter. Criteria: Ambry Variant Classification Scheme 2023. Collection method: clinical testing. Allele origin: germline.
Comment: The p.D258E variant (also known as c.774C>A), located in coding exon 7 of the CPA1 gene, results from a C to A substitution at nucleotide position 774. The aspartic acid at codon 258 is replaced by glutamic acid, an amino acid with highly similar properties. This amino acid position is conserved. In addition, this alteration is predicted to be tolerated by in silico analysis. Since supporting evidence is limited at this time, the clinical significance of this alteration remains unclear.